The following is an entry in ClinVar:

NM_014915.3(ANKRD26):c.1811C>T (p.Ala604Val)

Gene: ANKRD26 (ankyrin repeat domain 26; minus strand). Cytogenetic location: 10p12.1.
Variant type: single nucleotide variant.
Coding change: c.1811C>T on transcript NM_014915.3 (MANE Select); coding-DNA position 1811, C replaced by T.
Protein change: p.Ala604Val; replaces alanine 604 with valine.
Molecular consequence: missense variant.
Genome position (GRCh38, 1-based): chr10:27,048,804, G>A on the plus strand (C>T on the coding strand, the complement: ANKRD26 is on the minus strand). VCF-style: chr10-27048804-G-A. GRCh37 (hg19) VCF-style: chr10-27337733-G-A.
Other names: c.1811C>T, p.Ala604Val (NM_001256053.2); short protein forms A604V.
Identifiers: ClinVar variation 2418326 (VCV002418326.7), dbSNP rs2538894894, ClinGen allele CA376353605.

ClinVar aggregate classification (germline): Uncertain significance. Review status: criteria provided, multiple submitters, no conflicts (2 of 4 stars). 2 submissions from 2 submitters: Uncertain significance (2). Last evaluated 2025-10-29.

Conditions:
Inborn genetic diseases. Identifiers: MedGen C0950123, MeSH D030342.

Submissions (2):

Ambry Genetics
Classification: Uncertain significance for Inborn genetic diseases. Last evaluated: 2025-10-29. Review status: criteria provided, single submitter. Criteria: Ambry Variant Classification Scheme 2023. Collection method: clinical testing. Allele origin: germline.
Comment: The p.A604V variant (also known as c.1811C>T), located in coding exon 17 of the ANKRD26 gene, results from a C to T substitution at nucleotide position 1811. The alanine at codon 604 is replaced by valine, an amino acid with similar properties. This amino acid position is conserved. In addition, this alteration is predicted to be tolerated by in silico analysis. Based on the available evidence, the clinical significance of this variant remains unclear.

Labcorp Genetics (formerly Invitae), Labcorp
Classification: Uncertain significance. Last evaluated: 2022-08-24. Review status: criteria provided, single submitter. Criteria: Invitae Variant Classification Sherloc (09022015). Collection method: clinical testing. Allele origin: germline.
Comment: In summary, the available evidence is currently insufficient to determine the role of this variant in disease. Therefore, it has been classified as a Variant of Uncertain Significance. Algorithms developed to predict the effect of missense changes on protein structure and function output the following: SIFT: "Tolerated"; PolyPhen-2: "Benign"; Align-GVGD: "Class C0". The valine amino acid residue is found in multiple mammalian species, which suggests that this missense change does not adversely affect protein function. This variant has not been reported in the literature in individuals affected with ANKRD26-related conditions. This variant is not present in population databases (gnomAD no frequency). This sequence change replaces alanine, which is neutral and non-polar, with valine, which is neutral and non-polar, at codon 604 of the ANKRD26 protein (p.Ala604Val).